The following is an entry in ClinVar:

ClinVar aggregate classification (germline): Conflicting classifications of pathogenicity. Review status: criteria provided, conflicting classifications (1 of 4 stars). 4 submissions from 4 submitters: Uncertain significance (1); Likely benign (2). 1 of the submissions does not count toward it. Last evaluated 2025-10-08.

Conditions:
Greenberg dysplasia (GRBGD). Also called: CHONDRODYSTROPHY, HYDROPIC AND PRENATALLY LETHAL TYPE; HEM SKELETAL DYSPLASIA; MOTH-EATEN SKELETAL DYSPLASIA. Identifiers: Orphanet 1426, MedGen C2931048, MONDO:0008974, OMIM 215140.
LBR-related disorder. Also called: LBR-related condition; LBR-related disorders.

Allele frequency attached by ClinVar (database versions not stated): gnomAD exomes 0.00011 and 0.00020; ExAC 0.00018; gnomAD 0.00020 and 0.00021; TOPMed 0.00030; ESP Exome Variant Server 0.00054; 1000 Genomes Project 0.00060; 1000 Genomes Project 30x 0.00062.
gnomAD v4.1: 197 of 1,601,096 alleles (0.012%); highest among the groups gnomAD compares: Middle Eastern, 0.31%; no homozygotes.

Submissions (4):

Labcorp Genetics (formerly Invitae), Labcorp
Classification: Likely benign. Last evaluated: 2025-10-08. Review status: criteria provided, single submitter. Criteria: Invitae Variant Classification Sherloc (09022015). Collection method: clinical testing. Allele origin: germline.

GeneDx
Classification: Likely benign. Last evaluated: 2021-04-08. Review status: criteria provided, single submitter. Criteria: GeneDx Variant Classification Process June 2021. Collection method: clinical testing. Allele origin: germline. Affected: yes.

Illumina Laboratory Services, Illumina
Classification: Uncertain significance for Greenberg dysplasia. Last evaluated: 2018-01-13. Review status: criteria provided, single submitter. Criteria: ICSL Variant Classification Criteria 13 December 2019. Collection method: clinical testing. Allele origin: germline.

PreventionGenetics, part of Exact Sciences
Classification: Likely benign for LBR-related condition. Last evaluated: 2020-07-02. Review status: no assertion criteria provided. Collection method: clinical testing. Allele origin: germline. Not counted in ClinVar's aggregate classification.
Comment: This variant is classified as likely benign based on ACMG/AMP sequence variant interpretation guidelines (Richards et al. 2015 PMID: 25741868, with internal and published modifications).

NM_002296.4(LBR):c.1188+4T>C

Gene: LBR (lamin B receptor; minus strand). Cytogenetic location: 1q42.12.
Variant type: single nucleotide variant.
Coding change: c.1188+4T>C on transcript NM_002296.4 (MANE Select); 4 bases into the intron after coding-DNA position 1188, T replaced by C.
Molecular consequence: intron variant.
Genome position (GRCh38, 1-based): chr1:225,411,333, A>G on the plus strand (T>C on the coding strand, the complement: LBR is on the minus strand). VCF-style: chr1-225411333-A-G. GRCh37 (hg19) VCF-style: chr1-225599035-A-G.
Other names: c.1188+4T>C (NM_194442.3).
Identifiers: ClinVar variation 295935 (VCV000295935.18), dbSNP rs200998506, ClinGen allele CA1417222.